The following is an entry in ClinVar:

ClinVar aggregate classification (germline): Uncertain significance. Review status: criteria provided, multiple submitters, no conflicts (2 of 4 stars). 2 submissions from 2 submitters: Uncertain significance (2). Last evaluated 2026-06-02.

Conditions:
Inborn genetic diseases. Identifiers: MedGen C0950123, MeSH D030342.

Submissions (2):

Ambry Genetics
Classification: Uncertain significance for Inborn genetic diseases. Last evaluated: 2026-06-02. Review status: criteria provided, single submitter. Criteria: Ambry Variant Classification Scheme 2023. Collection method: clinical testing. Allele origin: germline.
Comment: The p.T569I variant (also known as c.1706C>T), located in coding exon 17 of the ANKRD26 gene, results from a C to T substitution at nucleotide position 1706. The threonine at codon 569 is replaced by isoleucine, an amino acid with similar properties. This amino acid position is conserved. In addition, this alteration is predicted to be tolerated by in silico analysis. Based on the available evidence, the clinical significance of this variant remains unclear.

Labcorp Genetics (formerly Invitae), Labcorp
Classification: Uncertain significance. Last evaluated: 2024-11-27. Review status: criteria provided, single submitter. Criteria: Invitae Variant Classification Sherloc (09022015). Collection method: clinical testing. Allele origin: germline.
Comment: This sequence change replaces threonine, which is neutral and polar, with isoleucine, which is neutral and non-polar, at codon 569 of the ANKRD26 protein (p.Thr569Ile). This variant is not present in population databases (gnomAD no frequency). This variant has not been reported in the literature in individuals affected with ANKRD26-related conditions. An algorithm developed to predict the effect of missense changes on protein structure and function (PolyPhen-2) suggests that this variant is likely to be tolerated. In summary, the available evidence is currently insufficient to determine the role of this variant in disease. Therefore, it has been classified as a Variant of Uncertain Significance.

NM_014915.3(ANKRD26):c.1706C>T (p.Thr569Ile)

Gene: ANKRD26 (ankyrin repeat domain 26; minus strand). Cytogenetic location: 10p12.1.
Variant type: single nucleotide variant.
Coding change: c.1706C>T on transcript NM_014915.3 (MANE Select); coding-DNA position 1706, C replaced by T.
Protein change: p.Thr569Ile; replaces threonine 569 with isoleucine.
Molecular consequence: missense variant.
Genome position (GRCh38, 1-based): chr10:27,048,909, G>A on the plus strand (C>T on the coding strand, the complement: ANKRD26 is on the minus strand). VCF-style: chr10-27048909-G-A. GRCh37 (hg19) VCF-style: chr10-27337838-G-A.
Other names: c.1706C>T, p.Thr569Ile (NM_001256053.2); short protein forms T569I.
Identifiers: ClinVar variation 3726175 (VCV003726175.3).